The following is an entry in ClinVar:

ClinVar aggregate classification (germline): Uncertain significance. Review status: criteria provided, multiple submitters, no conflicts (2 of 4 stars). 2 submissions from 2 submitters: Uncertain significance (2). Last evaluated 2024-03-06.

Conditions:
Hereditary cancer-predisposing syndrome. Also called: Neoplastic Syndromes, Hereditary; Tumor predisposition; Hereditary Cancer Syndrome; Hereditary neoplastic syndrome. Identifiers: Orphanet 140162, MedGen C0027672, MeSH D009386, MONDO:0015356.

Submissions (2):

Color Diagnostics, LLC DBA Color Health
Classification: Uncertain significance for Hereditary cancer-predisposing syndrome. Last evaluated: 2024-03-06. Review status: criteria provided, single submitter. Criteria: ACMG Guidelines, 2015. Collection method: clinical testing. Allele origin: germline.
Comment: This missense variant replaces glycine with aspartic acid at codon 2502 of the ATM protein. Computational prediction suggests that this variant may not impact protein structure and function (internally defined REVEL score threshold <= 0.5, PMID: 27666373). To our knowledge, functional studies have not been reported for this variant. This variant has not been reported in individuals affected with hereditary cancer in the literature. This variant has not been identified in the general population by the Genome Aggregation Database (gnomAD). The available evidence is insufficient to determine the role of this variant in disease conclusively. Therefore, this variant is classified as a Variant of Uncertain Significance.

GeneDx
Classification: Uncertain significance. Last evaluated: 2019-12-06. Review status: criteria provided, single submitter. Criteria: GeneDx Variant Classification Process June 2021. Collection method: clinical testing. Allele origin: germline. Affected: yes.
Comment: Not observed in large population cohorts (Lek 2016); In silico analysis, which includes protein predictors and evolutionary conservation, supports that this variant does not alter protein structure/function; Has not been previously published as pathogenic or benign to our knowledge

NM_000051.4(ATM):c.7505G>A (p.Gly2502Asp)

Genes: ATM (ATM serine/threonine kinase; plus strand), C11orf65 (chromosome 11 open reading frame 65; minus strand). Cytogenetic location: 11q22.3.
Variant type: single nucleotide variant.
Coding change: c.7505G>A on transcript NM_000051.4 (MANE Select); coding-DNA position 7505, G replaced by A.
Protein change: p.Gly2502Asp; replaces glycine 2502 with aspartic acid.
Molecular consequence: missense variant. On other transcripts: intron variant (2).
Genome position (GRCh38, 1-based): chr11:108,330,411, G>A. VCF-style: chr11-108330411-G-A. GRCh37 (hg19) VCF-style: chr11-108201138-G-A.
Other names: c.7505G>A, p.Gly2502Asp (NM_001351834.2); c.641-21340C>T (NM_001330368.2); c.*38+4809C>T (NM_001351110.2); short protein forms G2502D.
Identifiers: ClinVar variation 1170986 (VCV001170986.6), dbSNP rs754517317, ClinGen allele CA382560587.